The following is an entry in ClinVar:

NM_006521.6(TFE3):c.1589A>T (p.Glu530Val)

Gene: TFE3 (transcription factor binding to IGHM enhancer 3; minus strand). Cytogenetic location: Xp11.23.
Variant type: single nucleotide variant.
Coding change: c.1589A>T on transcript NM_006521.6 (MANE Select); coding-DNA position 1589, A replaced by T.
Protein change: p.Glu530Val; replaces glutamic acid 530 with valine.
Molecular consequence: missense variant.
Genome position (GRCh38, 1-based): chrX:49,030,297, T>A on the plus strand (A>T on the coding strand, the complement: TFE3 is on the minus strand). VCF-style: chrX-49030297-T-A. GRCh37 (hg19) VCF-style: chrX-48887808-T-A.
Other names: c.1274A>T, p.Glu425Val (NM_001282142.2); short protein forms E425V, E530V.
Identifiers: ClinVar variation 3032865 (VCV003032865.2), dbSNP rs1286561719, ClinGen allele CA412901567.

ClinVar aggregate classification (germline): Uncertain significance (0 of 4 stars; one submission).

Conditions:
TFE3-related disorder. Also called: TFE3-related condition.

Submission:

PreventionGenetics, part of Exact Sciences
Classification: Uncertain significance for TFE3-related condition. Last evaluated: 2023-12-22. Review status: no assertion criteria provided. Collection method: clinical testing. Allele origin: germline.
Comment: The TFE3 c.1589A>T variant is predicted to result in the amino acid substitution p.Glu530Val. To our knowledge, this variant has not been reported in the literature or in a large population database, indicating this variant is rare. At this time, the clinical significance of this variant is uncertain due to the absence of conclusive functional and genetic evidence.